The following is an entry in ClinVar:

NM_015512.5(DNAH1):c.4026G>C (p.Gln1342His)

Gene: DNAH1 (dynein axonemal heavy chain 1; plus strand). Cytogenetic location: 3p21.1.
Variant type: single nucleotide variant.
Coding change: c.4026G>C on transcript NM_015512.5 (MANE Select); coding-DNA position 4026, G replaced by C.
Protein change: p.Gln1342His; replaces glutamine 1342 with histidine.
Molecular consequence: missense variant.
Genome position (GRCh38, 1-based): chr3:52,357,943, G>C. VCF-style: chr3-52357943-G-C. GRCh37 (hg19) VCF-style: chr3-52391959-G-C.
Other names: c.4026G>C (NM_015512.4); short protein forms Q1342H.
Identifiers: ClinVar variation 1403554 (VCV001403554.9), dbSNP rs750380752, ClinGen allele CA2433779.
Genomic context (GRCh38, chr3:52,357,943, plus strand): 5'-CTGTTCCCCTGGCAGATTCTACTTCCTGTCAGATGATGAACTACTAGAGATCTTGTCGCA[G>C]ACAAAGGACCCCACGGCCGTGCAGCCACACCTGCGCAAGTGCTTCGAGAACATCGCTCGG-3'
Protein context (NP_056327.4, residues 1332-1352): SDDELLEILS[Gln1342His]TKDPTAVQPH

ClinVar aggregate classification (germline): Uncertain significance. Review status: criteria provided, multiple submitters, no conflicts (2 of 4 stars). 3 submissions from 3 submitters: Uncertain significance (2). 1 of the submissions does not count toward it. Last evaluated 2021-11-18.

Conditions:
Spermatogenic failure 18. Identifiers: MedGen C4539783, MONDO:0054615, OMIM 617576.
Ciliary dyskinesia, primary, 37 (CILD37). Also called: CILIARY DYSKINESIA, PRIMARY, 37, WITH OR WITHOUT SITUS INVERSUS. Identifiers: MedGen C4539798, MONDO:0033204, OMIM 617577.
DNAH1-related disorder. Also called: DNAH1-related condition.

Allele frequency attached by ClinVar (database versions not stated): gnomAD 0.00005; gnomAD exomes 0.00010 and 0.00019; ExAC 0.00022.
gnomAD v4.1: 147 of 1,613,276 alleles (0.0091%); highest among the groups gnomAD compares: South Asian, 0.15%; 1 homozygote.

Submissions (3):

Labcorp Genetics (formerly Invitae), Labcorp
Classification: Uncertain significance for Ciliary dyskinesia, primary, 37; Spermatogenic failure 18. Last evaluated: 2021-11-18. Review status: criteria provided, single submitter. Criteria: Invitae Variant Classification Sherloc (09022015). Collection method: clinical testing. Allele origin: germline.
Comment: In summary, the available evidence is currently insufficient to determine the role of this variant in disease. Therefore, it has been classified as a Variant of Uncertain Significance. Algorithms developed to predict the effect of missense changes on protein structure and function are either unavailable or do not agree on the potential impact of this missense change (SIFT: "Deleterious"; PolyPhen-2: "Possibly Damaging"; Align-GVGD: "Class C15"). This variant has not been reported in the literature in individuals affected with DNAH1-related conditions. This variant is present in population databases (rs750380752, gnomAD 0.2%). This sequence change replaces glutamine, which is neutral and polar, with histidine, which is basic and polar, at codon 1342 of the DNAH1 protein (p.Gln1342His).

Ambry Genetics
Classification: Uncertain significance. Last evaluated: 2021-08-12. Review status: criteria provided, single submitter. Criteria: Ambry Variant Classification Scheme 2023. Collection method: clinical testing. Allele origin: germline.

PreventionGenetics, part of Exact Sciences
Classification: Uncertain significance for DNAH1-related condition. Last evaluated: 2024-08-05. Review status: no assertion criteria provided. Collection method: clinical testing. Allele origin: germline. Not counted in ClinVar's aggregate classification.
Comment: The DNAH1 c.4026G>C variant is predicted to result in the amino acid substitution p.Gln1342His. To our knowledge, this variant has not been reported in the literature. This variant is reported in 0.16% of alleles in individuals of South Asian descent in gnomAD. Although we suspect that this variant may be benign, at this time, the clinical significance of this variant is uncertain due to the absence of conclusive functional and genetic evidence.